The following is an entry in ClinVar:

ClinVar aggregate classification (germline): Uncertain significance (1 of 4 stars; one submission).

Conditions:
Familial thoracic aortic aneurysm and aortic dissection (TAAD). Also called: Thoracic aortic aneurysms and dissections. Identifiers: Orphanet 91387, MedGen C4707243, MONDO:0019625.

Submission:

Ambry Genetics
Classification: Uncertain significance for Familial thoracic aortic aneurysm and aortic dissection. Last evaluated: 2025-12-11. Review status: criteria provided, single submitter. Criteria: Ambry Variant Classification Scheme 2023. Collection method: clinical testing. Allele origin: germline.
Comment: The p.I978V variant (also known as c.2932A>G), located in coding exon 18 of the NOTCH1 gene, results from an A to G substitution at nucleotide position 2932. The isoleucine at codon 978 is replaced by valine, an amino acid with highly similar properties. This amino acid position is highly conserved in available vertebrate species. In addition, this alteration is predicted to be tolerated by in silico analysis. Based on the available evidence, the clinical significance of this variant remains unclear.

NM_017617.5(NOTCH1):c.2932A>G (p.Ile978Val)

Gene: NOTCH1 (notch receptor 1; minus strand). Cytogenetic location: 9q34.3.
Variant type: single nucleotide variant.
Coding change: c.2932A>G on transcript NM_017617.5 (MANE Select); coding-DNA position 2932, A replaced by G.
Protein change: p.Ile978Val; replaces isoleucine 978 with valine.
Molecular consequence: missense variant.
Genome position (GRCh38, 1-based): chr9:136,509,770, T>C on the plus strand (A>G on the coding strand, the complement: NOTCH1 is on the minus strand). VCF-style: chr9-136509770-T-C. GRCh37 (hg19) VCF-style: chr9-139404222-T-C.
Other names: short protein forms I978V.
Identifiers: ClinVar variation 4635461 (VCV004635461.1).